The following is an entry in ClinVar:

NC_012920.1(MT-ND1):m.4171C>A

Gene: MT-ND1 (mitochondrially encoded NADH dehydrogenase 1; plus strand).
Variant type: single nucleotide variant.
Genome position: chrM-4171-C-A.
Identifiers: ClinVar variation 9732 (VCV000009732.7), dbSNP rs28616230, ClinGen allele CA340948.
Genomic context (GRCh38, chrMT:4,171, plus strand): 5'-CTGTTCTTATGAATTCGAACAGCATACCCCCGATTCCGCTACGACCAACTCATACACCTC[C>A]TATGAAAAAACTTCCTACCACTCACCCTAGCATTACTTATATGATATGTCTCCATACCCA-3'

ClinVar aggregate classification (germline): Uncertain significance. Review status: reviewed by expert panel (3 of 4 stars). 6 submissions from 6 submitters: Uncertain significance (1). 5 of the submissions do not count toward it. Last evaluated 2022-06-30.

Conditions:
Mitochondrial disease. Also called: Mitochondrial disorder; Mitochondrial disorders. Identifiers: Orphanet 68380, MedGen C0751651, MeSH D028361, MONDO:0044970.
Leber optic atrophy (LHON). Also called: Leber hereditary optic neuropathy; Leber's disease; Leber's optic atrophy; Optic Atrophy, Hereditary, Leber. Identifiers: Orphanet 104, MedGen C0917796, MONDO:0010788, OMIM 535000, HP:0001112.

Submissions (6):

ClinGen Mitochondrial Disease Nuclear and Mitochondrial  Variant Curation Expert Panel, ClinGen
Classification: Uncertain significance for Mitochondrial disease. Last evaluated: 2022-06-30. Review status: reviewed by expert panel. Criteria: clingen mito disease acmg specifications v1-1. Collection method: curation. Allele origin: germline. Inheritance: Mitochondrial inheritance.
Comment: The m.4171C>A (p.L289M) variant in MT-ND1 has been reported in 13 individuals with primary mitochondrial disease with features falling under the LHON and/or Leigh syndrome spectrums with variable brain lesions (PS4_moderate, PMIDs: 12112111, 19555656, 20491810, 22879922, 24884847, 32652755, 34670133, 35104579, 32045392; Cui et al., 2006 with no PMID; of note, the two families in PMID: 12112111 might be in the same haplogroup although there is no known kinship). Additionally, this expert panel knew of one local family with an affected individual with this variant that the expert panel agreed to include. There are no reports of de novo occurrences to our knowledge. Although typically homoplasmic in kindreds, the variant has been reported to segregate with features of primary mitochondrial disease in two family members from one family (PMID: 12112111) however this did not meet criteria to be considered for PP1. This variant is absent in population databases after removing sequences from individuals with mitochondrial disease (two occurrences in GenBank sequences are from individuals with mitochondrial disease; absent in gnomAD v3.1.2 and Helix dataset; PM2_supporting). The computational predictor APOGEE gives a consensus rating of pathogenic with a score of 0.60 (Min=0, Max=1), which predicts a damaging effect on gene function (PP3). An E. coli model (homoplasmic for this variant) showed only a 13% decrease in enzyme activity, which did not reach statistical significance and therefore did not meet criteria to be considered for PS3 (PMID: 19616643). In summary, this variant meets criteria to be classified as uncertain significance for primary mitochondrial disease inherited in a mitochondrial manner. In the future, once three or more unrelated cases are reported, criteria for a likely pathogenic classification would be met. This classification was approved by the NICHD/NINDS U24 Mitochondrial Disease Variant Curation Expert Panel on April 11, 2022 (PMID: 32906214): Mitochondrial DNA-specific ACMG/AMP criteria applied (PMID: 32906214): PS4_moderate, PM2_supporting, PP3.

3billion
Classification: Uncertain significance for Leber optic atrophy. Last evaluated: 2025-07-09. Review status: criteria provided, single submitter. Criteria: ACMG Guidelines, 2015. Collection method: clinical testing. Allele origin: germline. Affected: yes. Not counted in ClinVar's aggregate classification.
Comment: The variant is not observed in the gnomAD v4.1.0 dataset. Predicted Consequence/Location: Mitochondrial variant In silico tool predictions suggest damaging effect of the variant on gene or gene product [APOGEE2: 0.81 (>= 0.716)]. The same nucleotide change resulting in the same amino acid change has been previously reported as pathogenic/likely pathogenic with strong evidence (3billion dataset/ClinVar ID: VCV000009732). Therefore, this variant is classified as VUS according to the recommendation of ACMG/AMP guideline.

Mendelics
Classification: Pathogenic for Leber optic atrophy. Last evaluated: 2022-05-04. Review status: criteria provided, single submitter. Criteria: Mendelics Assertion Criteria 2019. Collection method: clinical testing. Allele origin: germline. Not counted in ClinVar's aggregate classification.

Wong Mito Lab, Molecular and Human Genetics, Baylor College of Medicine
Classification: Likely pathogenic for Leber optic atrophy. Last evaluated: 2019-10-17. Review status: criteria provided, single submitter. Criteria: Modified ACMG Guidelines (Unpublished). Collection method: clinical testing. Allele origin: germline. Not counted in ClinVar's aggregate classification.
Comment: The NC_012920.1:m.4171C>A (YP_003024026.1:p.Leu289Met) variant in MTND1 gene is interpretated to be a Likely Pathogenic variant based on the modified ACMG guidelines (unpublished). This variant meets the following evidence codes: PS1, PM9, PP4

OMIM
Classification: Pathogenic for LEBER OPTIC ATROPHY. Last evaluated: 2002-05-01. Review status: no assertion criteria provided. Collection method: literature only. Allele origin: germline. Not counted in ClinVar's aggregate classification.

GeneReviews
No classification provided. Condition: Leber optic atrophy. Review status: no classification provided. Collection method: literature only. Allele origin: maternal. Not counted in ClinVar's aggregate classification.
Comment: This mitochondrial DNA variant affects function. It hase been identified in at least two independent LHON pedigrees and segregates with affected disease status.

Literature cited by the submitters: PubMed 12112111 (cited by Wong Mito Lab, Molecular and Human Genetics, Baylor College of Medicine and OMIM); PubMed 15972314 (cited by Wong Mito Lab, Molecular and Human Genetics, Baylor College of Medicine); PubMed 22879922 (cited by Wong Mito Lab, Molecular and Human Genetics, Baylor College of Medicine); PubMed 24884847 (cited by Wong Mito Lab, Molecular and Human Genetics, Baylor College of Medicine); PubMed 19555656 (cited by Wong Mito Lab, Molecular and Human Genetics, Baylor College of Medicine); PubMed 30143805 (cited by GeneReviews); PubMed 20301353 (cited by GeneReviews).